The following is an entry in ClinVar:

NM_002490.6(NDUFA6):c.38C>T (p.Ala13Val)

Gene: NDUFA6 (NADH:ubiquinone oxidoreductase subunit A6; minus strand). Cytogenetic location: 22q13.2.
Variant type: single nucleotide variant.
Coding change: c.38C>T on transcript NM_002490.6 (MANE Select); coding-DNA position 38, C replaced by T.
Protein change: p.Ala13Val; replaces alanine 13 with valine.
Molecular consequence: missense variant.
Genome position (GRCh38, 1-based): chr22:42,090,707, G>A on the plus strand (C>T on the coding strand, the complement: NDUFA6 is on the minus strand). VCF-style: chr22-42090707-G-A. GRCh37 (hg19) VCF-style: chr22-42486711-G-A.
Other names: c.116C>T (NM_002490.3); short protein forms A13V.
Identifiers: ClinVar variation 1988286 (VCV001988286.3), dbSNP rs201118326, ClinGen allele CA10264433.

ClinVar aggregate classification (germline): Uncertain significance. Review status: criteria provided, multiple submitters, no conflicts (2 of 4 stars). 2 submissions from 2 submitters: Uncertain significance (2). Last evaluated 2023-12-11.

Conditions:
Inborn genetic diseases. Identifiers: MedGen C0950123, MeSH D030342.

Allele frequency attached by ClinVar (database versions not stated): gnomAD 0.00004; TOPMed 0.00006; ExAC 0.00007.
gnomAD v4.1: 44 of 1,614,046 alleles (0.0027%); highest among the groups gnomAD compares: Admixed American, 0.072%; no homozygotes.

Submissions (2):

Labcorp Genetics (formerly Invitae), Labcorp
Classification: Uncertain significance. Last evaluated: 2023-12-11. Review status: criteria provided, single submitter. Criteria: Invitae Variant Classification Sherloc (09022015). Collection method: clinical testing. Allele origin: germline.
Comment: This sequence change replaces alanine, which is neutral and non-polar, with valine, which is neutral and non-polar, at codon 39 of the NDUFA6 protein (p.Ala39Val). This variant is present in population databases (rs201118326, gnomAD 0.09%). This variant has not been reported in the literature in individuals affected with NDUFA6-related conditions. ClinVar contains an entry for this variant (Variation ID: 1988286). Algorithms developed to predict the effect of missense changes on protein structure and function output the following: SIFT: "Not Available"; PolyPhen-2: "Benign"; Align-GVGD: "Not Available". The valine amino acid residue is found in multiple mammalian species, which suggests that this missense change does not adversely affect protein function. In summary, the available evidence is currently insufficient to determine the role of this variant in disease. Therefore, it has been classified as a Variant of Uncertain Significance.

Ambry Genetics
Classification: Uncertain significance for Inborn genetic diseases. Last evaluated: 2022-06-13. Review status: criteria provided, single submitter. Criteria: Ambry Variant Classification Scheme 2023. Collection method: clinical testing. Allele origin: germline.